The following is an entry in ClinVar:

NM_000053.4(ATP7B):c.3139del (p.Asp1047fs)

Gene: ATP7B (ATPase copper transporting beta; minus strand). Cytogenetic location: 13q14.3.
Variant type: Deletion.
Coding change: c.3139del on transcript NM_000053.4 (MANE Select); coding-DNA position 3139, one base deleted (G; older notation c.3139delG).
Protein change: p.Asp1047fs; shifts the reading frame from aspartic acid 1047.
Molecular consequence: frameshift variant. On other transcripts: intron variant (1).
Genome position (GRCh38, 1-based): chr13:51,944,213, C deleted on the plus strand (G on the coding strand, the reverse complement: ATP7B is on the minus strand); the first of 5 consecutive C bases (chr13:51,944,213-51,944,217); deleting any one gives the same sequence. VCF-style (leftmost placement, unchanged base first): chr13-51944212-TC-T. GRCh37 (hg19) VCF-style: chr13-52518348-TC-T.
Other names: c.3085del, p.Asp1029fs (NM_001406515.1, NM_001406516.1); c.3043del, p.Asp1015fs (NM_001406517.1, NM_001406518.1); c.3004del, p.Asp1002fs (NM_001406519.1); c.2995del, p.Asp999fs (NM_001406520.1, NM_001406521.1, NM_001406522.1); c.2962del, p.Asp988fs (NM_001406524.1); c.2944del, p.Asp982fs (NM_001406525.1); c.3139del, p.Asp1047fs (NM_001406526.1, NM_001406511.1, NM_001406512.1); c.2905del, p.Asp969fs (NM_001406527.1, NM_001406528.1, NM_001330578.2 and 1 more transcripts); and 19 more; short protein forms D1002fs, D1015fs, D1029fs, D1036fs, D1045fs, D1047fs, D617fs, D766fs.
Identifiers: ClinVar variation 4852552 (VCV004852552.1).

ClinVar aggregate classification (germline): Pathogenic (1 of 4 stars; one submission).

Conditions:
Wilson disease (WND). Also called: Wilson's disease. Identifiers: Orphanet 905, MedGen C0019202, MONDO:0010200, OMIM 277900. Disease mechanism: loss of function.

Submission:

Chongqing Key Laboratory of Child Rare Diseases in Infection and Immunity, Children’s Hospital of Chongqing Medical University
Classification: Pathogenic for Wilson disease. Last evaluated: 2024-01-01. Review status: criteria provided, single submitter. Criteria: ACMG Guidelines, 2015. Collection method: clinical testing. Allele origin: germline. Inheritance: Autosomal recessive inheritance. Affected: yes.
Comment: Classified as Pathogenic according to the ACMG/AMP 2015 guidelines (PMID:25741868). The classification was based on the available submitted evidence for Wilson disease (OMIM:277900), including clinical-testing observations, variant consequence/protein annotation, and published or ClinVar evidence where available. Supporting information considered: variant annotation: p.Asp1047MetfsTer74; Frameshift; Protein domain: P-domain-enriched; submitted notation: NM_000053.4:c.3139del (p.Asp1047MetfsTer74); source variant type: Frameshift; source domain: P-domain-enriched; allele count n=230: 1.